The following is an entry in ClinVar:

NM_001048166.1(STIL):c.1628C>T (p.Ala543Val)

Gene: STIL (STIL centriolar assembly protein; minus strand). Cytogenetic location: 1p33.
Variant type: single nucleotide variant.
Coding change: c.1628C>T on transcript NM_001048166.1 (MANE Select); coding-DNA position 1628, C replaced by T.
Protein change: p.Ala543Val; replaces alanine 543 with valine.
Molecular consequence: missense variant.
Genome position (GRCh38, 1-based): chr1:47,280,830, G>A on the plus strand (C>T on the coding strand, the complement: STIL is on the minus strand). VCF-style: chr1-47280830-G-A. GRCh37 (hg19) VCF-style: chr1-47746502-G-A.
Other names: c.1628C>T, p.Ala543Val (NM_001282936.1, NM_001282937.1, NM_003035.2); c.1487C>T, p.Ala496Val (NM_001282938.1, NM_001282939.1, NM_001377417.1); short protein forms A543V, A496V.
Identifiers: ClinVar variation 1028065 (VCV001028065.2), dbSNP rs746094772, ClinGen allele CA842306.

ClinVar aggregate classification (germline): Uncertain significance. Review status: criteria provided, multiple submitters, no conflicts (2 of 4 stars). 2 submissions from 2 submitters: Uncertain significance (2). Last evaluated 2024-02-27.

Conditions:
Inborn genetic diseases. Identifiers: MedGen C0950123, MeSH D030342.
Microcephaly 7, primary, autosomal recessive. Identifiers: Orphanet 2512, MedGen C2675187, MONDO:0012989, OMIM 612703.

Allele frequency attached by ClinVar (database versions not stated): gnomAD 0.00001 and 0.00003; gnomAD exomes 0.00003 and 0.00008; ExAC 0.00008; TOPMed 0.00008.
gnomAD v4.1: 43 of 1,614,092 alleles (0.0027%); highest among the groups gnomAD compares: Admixed American, 0.037%; no homozygotes.

Submissions (2):

Ambry Genetics
Classification: Uncertain significance for Inborn genetic diseases. Last evaluated: 2024-02-27. Review status: criteria provided, single submitter. Criteria: Ambry Variant Classification Scheme 2023. Collection method: clinical testing. Allele origin: germline.

Baylor Genetics
Classification: Uncertain significance for Microcephaly 7, primary, autosomal recessive. Last evaluated: 2019-02-27. Review status: criteria provided, single submitter. Criteria: ACMG Guidelines, 2015. Collection method: clinical testing. Allele origin: unknown. Affected: yes.
Comment: This variant was determined to be of uncertain significance according to ACMG Guidelines, 2015 [PMID:25741868].